The following is an entry in ClinVar:

ClinVar aggregate classification (germline): Benign. Review status: criteria provided, multiple submitters, no conflicts (2 of 4 stars). 3 submissions from 3 submitters: Benign (2). 1 of the submissions does not count toward it. Last evaluated 2019-12-31.

Conditions:
AMBN-related disorder. Also called: AMBN-related condition.

Allele frequency attached by ClinVar (database versions not stated): gnomAD exomes 0.00223 and 0.00562; ExAC 0.00677; gnomAD 0.02034 and 0.02162; ESP Exome Variant Server 0.02153; TOPMed 0.02254; 1000 Genomes Project 0.02356; 1000 Genomes Project 30x 0.02592.

Submissions (3):

Labcorp Genetics (formerly Invitae), Labcorp
Classification: Benign. Last evaluated: 2019-12-31. Review status: criteria provided, single submitter. Criteria: Invitae Variant Classification Sherloc (09022015). Collection method: clinical testing. Allele origin: germline.

Breakthrough Genomics
Classification: Benign. Review status: criteria provided, single submitter. Criteria: ACMG Guidelines, 2015. Collection method: not provided. Allele origin: germline. Inheritance: Autosomal recessive inheritance. Affected: yes.

PreventionGenetics, part of Exact Sciences
Classification: Benign for AMBN-related condition. Last evaluated: 2024-08-03. Review status: no assertion criteria provided. Collection method: clinical testing. Allele origin: germline. Not counted in ClinVar's aggregate classification.
Comment: This variant is classified as benign based on ACMG/AMP sequence variant interpretation guidelines (Richards et al. 2015 PMID: 25741868, with internal and published modifications).

NM_016519.6(AMBN):c.1132G>A (p.Val378Ile)

Gene: AMBN (ameloblastin; plus strand). Cytogenetic location: 4q13.3.
Variant type: single nucleotide variant.
Coding change: c.1132G>A on transcript NM_016519.6 (MANE Select); coding-DNA position 1132, G replaced by A.
Protein change: p.Val378Ile; replaces valine 378 with isoleucine.
Molecular consequence: missense variant.
Genome position (GRCh38, 1-based): chr4:70,606,518, G>A. VCF-style: chr4-70606518-G-A. GRCh37 (hg19) VCF-style: chr4-71472235-G-A.
Other names: short protein forms V378I.
Identifiers: ClinVar variation 775984 (VCV000775984.7), dbSNP rs76503327, ClinGen allele CA2951650.